The following is an entry in ClinVar:

NM_004655.4(AXIN2):c.174C>T (p.Asn58=)

Gene: AXIN2 (axin 2; minus strand). Cytogenetic location: 17q24.1.
Variant type: single nucleotide variant.
Coding change: c.174C>T on transcript NM_004655.4 (MANE Select); coding-DNA position 174, C replaced by T.
Protein change: p.Asn58=; no amino-acid change (asparagine 58 retained).
Molecular consequence: synonymous variant.
Genome position (GRCh38, 1-based): chr17:65,558,447, G>A on the plus strand (C>T on the coding strand, the complement: AXIN2 is on the minus strand). VCF-style: chr17-65558447-G-A. GRCh37 (hg19) VCF-style: chr17-63554565-G-A.
Other names: c.174C>T, p.Asn58= (NM_001363813.1); c.174C>T (LRG_296t1).
Identifiers: ClinVar variation 415221 (VCV000415221.19), dbSNP rs763012548, ClinGen allele CA8719087.
Genomic context (GRCh38, chr17:65,558,447, plus strand): 5'-CCACCGGGTCAGAGGGGAATCCGGAGATGCCCGCCCCTCCGGCTCCCCCAACCCATCTTC[G>A]TTCCGCCTGGTGTTGGAAGAGACAGGCATGGGTTTGGTGACCTGGCCCTTGCCCACCCCT-3'
Protein context (NP_004646.3, residues 48-68): PMPVSSNTRR[Asn58=]EDGLGEPEGR

ClinVar aggregate classification (germline): Conflicting classifications of pathogenicity. Review status: criteria provided, conflicting classifications (1 of 4 stars). 4 submissions from 4 submitters: Uncertain significance (1); Benign (1); Likely benign (2). Last evaluated 2025-08-17.

Conditions:
Oligodontia-cancer predisposition syndrome. Also called: TOOTH AGENESIS-COLORECTAL CANCER SYNDROME. Identifiers: Orphanet 300576, MedGen C1837750, MONDO:0012075, OMIM 608615. Disease mechanism: loss of function.
Hereditary cancer-predisposing syndrome. Also called: Tumor predisposition; Neoplastic Syndromes, Hereditary; Hereditary neoplastic syndrome; Hereditary Cancer Syndrome. Identifiers: Orphanet 140162, MedGen C0027672, MeSH D009386, MONDO:0015356.

Allele frequency attached by ClinVar (database versions not stated): ExAC 0.00002; TOPMed 0.00002.
gnomAD v4.1: 11 of 1,599,470 alleles (0.00069%); highest among the groups gnomAD compares: African/African-American, 0.004%; no homozygotes.

Submissions (4):

Labcorp Genetics (formerly Invitae), Labcorp
Classification: Likely benign for Oligodontia-cancer predisposition syndrome. Last evaluated: 2025-08-17. Review status: criteria provided, single submitter. Criteria: Invitae Variant Classification Sherloc (09022015). Collection method: clinical testing. Allele origin: germline.

Myriad Genetics, Inc.
Classification: Benign for Oligodontia-cancer predisposition syndrome. Last evaluated: 2024-06-25. Review status: criteria provided, single submitter. Criteria: Myriad Autosomal Dominant, Autosomal Recessive and X-Linked Classification Criteria (2023). Collection method: clinical testing. Allele origin: unknown.
Comment: This variant is considered benign. This variant is a silent/synonymous amino acid change and it is not expected to impact splicing.

Ambry Genetics
Classification: Likely benign for Hereditary cancer-predisposing syndrome. Last evaluated: 2020-08-05. Review status: criteria provided, single submitter. Criteria: Ambry Variant Classification Scheme 2023. Collection method: clinical testing. Allele origin: germline.

Illumina Laboratory Services, Illumina
Classification: Uncertain significance for Oligodontia-cancer predisposition syndrome. Last evaluated: 2018-01-13. Review status: criteria provided, single submitter. Criteria: ICSL Variant Classification Criteria 13 December 2019. Collection method: clinical testing. Allele origin: germline.